The following is an entry in ClinVar:

NM_002291.3(LAMB1):c.2040G>A (p.Val680=)

Gene: LAMB1 (laminin subunit beta 1; minus strand). Cytogenetic location: 7q31.1.
Variant type: single nucleotide variant.
Coding change: c.2040G>A on transcript NM_002291.3 (MANE Select); coding-DNA position 2040, G replaced by A.
Protein change: p.Val680=; no amino-acid change (valine 680 retained).
Molecular consequence: synonymous variant.
Genome position (GRCh38, 1-based): chr7:107,961,275, C>T on the plus strand (G>A on the coding strand, the complement: LAMB1 is on the minus strand). VCF-style: chr7-107961275-C-T. GRCh37 (hg19) VCF-style: chr7-107601720-C-T.
Other names: c.2040G>A (NM_002291.2).
Identifiers: ClinVar variation 1640420 (VCV001640420.10), dbSNP rs139446144, ClinGen allele CA4435771.

ClinVar aggregate classification (germline): Likely benign. Review status: criteria provided, multiple submitters, no conflicts (2 of 4 stars). 3 submissions from 3 submitters: Likely benign (3). Last evaluated 2026-01-29.

Conditions:
LAMB1-related disorder. Also called: LAMB1-related condition.

Allele frequency attached by ClinVar (database versions not stated): gnomAD exomes 0.00003 and 0.00010; ExAC 0.00010; gnomAD 0.00027 and 0.00028; TOPMed 0.00030; ESP Exome Variant Server 0.00031; 1000 Genomes Project 0.00040; 1000 Genomes Project 30x 0.00047.
gnomAD v4.1: 82 of 1,614,092 alleles (0.0051%); highest among the groups gnomAD compares: African/African-American, 0.089%; no homozygotes.

Submissions (3):

Labcorp Genetics (formerly Invitae), Labcorp
Classification: Likely benign. Last evaluated: 2026-01-29. Review status: criteria provided, single submitter. Criteria: Invitae Variant Classification Sherloc (09022015). Collection method: clinical testing. Allele origin: germline.

PreventionGenetics, part of Exact Sciences
Classification: Likely benign for LAMB1-related condition. Last evaluated: 2025-07-24. Review status: criteria provided, single submitter. Criteria: ACMG Guidelines, 2015. Collection method: clinical testing. Allele origin: germline.
Comment: This variant is classified as likely benign based on ACMG/AMP sequence variant interpretation guidelines (Richards et al. 2015 PMID: 25741868, with internal and published modifications).

Women's Health and Genetics/Laboratory Corporation of America, LabCorp
Classification: Likely benign. Last evaluated: 2025-03-12. Review status: criteria provided, single submitter. Criteria: LabCorp Variant Classification Summary - May 2015. Collection method: clinical testing. Allele origin: germline.